The following is an entry in ClinVar:

ClinVar aggregate classification (germline): Pathogenic. Review status: criteria provided, multiple submitters, no conflicts (2 of 4 stars). 2 submissions from 2 submitters: Pathogenic (2). Last evaluated 2025-08-26.

Conditions:
Nemaline myopathy 5 (NEM5A). Also called: NEMALINE MYOPATHY, AMISH TYPE; Nemaline myopathy 5, Amish type; NEMALINE MYOPATHY 5A, AUTOSOMAL RECESSIVE, SEVERE INFANTILE. Identifiers: Orphanet 98902, MedGen C1854380, MONDO:0011539, OMIM 605355.

Submissions (2):

3billion
Classification: Pathogenic for Nemaline myopathy 5. Last evaluated: 2025-08-26. Review status: criteria provided, single submitter. Criteria: ACMG Guidelines, 2015. Collection method: clinical testing. Allele origin: germline. Affected: yes.
Comment: The variant is not observed in the gnomAD v4.1.0 dataset. Predicted Consequence/Location: Stop-gained (nonsense): predicted to result in a loss or disruption of normal protein function through nonsense-mediated decay (NMD) or protein truncation. Multiple pathogenic variants are reported downstream of the variant. Frameshift: predicted to result in a loss or disruption of normal protein function through nonsense-mediated decay (NMD) or protein truncation. Multiple pathogenic variants are reported downstream of the variant. The variant has been reported to be associated with TNNT1-related disorder (ClinVar ID: VCV001285366 /PMID: 38374194). Therefore, this variant is classified as Pathogenic according to the recommendation of ACMG/AMP guideline.

Genomics, Clalit Research Institute, Clalit Health Care
Classification: Pathogenic for Nemaline myopathy 5. Review status: criteria provided, single submitter. Criteria: ACMG Guidelines, 2015. Collection method: clinical testing. Allele origin: germline. Affected: yes. Observed: 1 homozygote.
Comment: Frequency: The variant is absent from the gnomAD reference population dataset. Frequency among cases: This variant was previusly reported in the literature in indviduals with Nemaline myopathy (PMID: 26296490). Variant type: Null variant in a gene where loss of function is a known mechanism of disease. Phenotype: : The patient's phenotype or family history is compitable with gene. (PVS1,PP4,PM2_support, PS4_Support

Literature cited by the submitters: PubMed 38374194 (cited by 3billion); PubMed 26296490 (cited by Genomics, Clalit Research Institute, Clalit Health Care).

NM_003283.6(TNNT1):c.607_610delinsTAGTGCTGT (p.Leu203_Arg204delinsTer)

Gene: TNNT1 (troponin T1, slow skeletal type; minus strand). Cytogenetic location: 19q13.42.
Variant type: Indel.
Coding change: c.607_610delinsTAGTGCTGT on transcript NM_003283.6 (MANE Select); coding-DNA positions 607 to 610, CTCC replaced by TAGTGCTGT.
Protein change: p.Leu203_Arg204delinsTer.
Molecular consequence: nonsense.
Genome position (GRCh38, 1-based): chr19:55,137,104-55,137,107, GGAG replaced by ACAGCACTA on the plus strand (CTCC replaced by TAGTGCTGT on the coding strand, the reverse complement: TNNT1 is on the minus strand). VCF-style: chr19-55137104-GGAG-ACAGCACTA. GRCh37 (hg19) VCF-style: chr19-55648472-GGAG-ACAGCACTA.
Other names: c.607_610delinsTAGTGCTGT, p.Leu203_Arg204delinsTer (NM_001126132.3); c.574_577delinsTAGTGCTGT, p.Leu192_Arg193delinsTer (NM_001126133.3, NM_001291774.2).
Identifiers: ClinVar variation 1285366 (VCV001285366.2), dbSNP rs2515421573.